The following is an entry in ClinVar:

ClinVar aggregate classification (germline): Uncertain significance (1 of 4 stars; one submission).

Submission:

Labcorp Genetics (formerly Invitae), Labcorp
Classification: Uncertain significance. Last evaluated: 2024-10-10. Review status: criteria provided, single submitter. Criteria: Invitae Variant Classification Sherloc (09022015). Collection method: clinical testing. Allele origin: germline.
Comment: This sequence change replaces serine, which is neutral and polar, with cysteine, which is neutral and slightly polar, at codon 332 of the FGG protein (p.Ser332Cys). This variant is not present in population databases (gnomAD no frequency). This variant has not been reported in the literature in individuals affected with FGG-related conditions. Invitae Evidence Modeling of protein sequence and biophysical properties (such as structural, functional, and spatial information, amino acid conservation, physicochemical variation, residue mobility, and thermodynamic stability) has been performed for this missense variant. However, the output from this modeling did not meet the statistical confidence thresholds required to predict the impact of this variant on FGG protein function. In summary, the available evidence is currently insufficient to determine the role of this variant in disease. Therefore, it has been classified as a Variant of Uncertain Significance.

NM_021870.3(FGG):c.995C>G (p.Ser332Cys)

Gene: FGG (fibrinogen gamma chain; minus strand). Cytogenetic location: 4q32.1.
Variant type: single nucleotide variant.
Coding change: c.995C>G on transcript NM_021870.3 (MANE Select); coding-DNA position 995, C replaced by G.
Protein change: p.Ser332Cys; replaces serine 332 with cysteine.
Molecular consequence: missense variant.
Genome position (GRCh38, 1-based): chr4:154,606,839, G>C on the plus strand (C>G on the coding strand, the complement: FGG is on the minus strand). VCF-style: chr4-154606839-G-C. GRCh37 (hg19) VCF-style: chr4-155527991-G-C.
Other names: c.995C>G, p.Ser332Cys (NM_000509.6); short protein forms S332C.
Identifiers: ClinVar variation 3605046 (VCV003605046.2).
Genomic context (GRCh38, chr4:154,606,839, plus strand): 5'-CAGTTGCCTTCAAACTTATCATTGTCATTGTCCCAGGTACTGAACTGCATGCCATTATGG[G>C]ATGTGAAAAACTTGTCACTAGGATCATCGCCAAAATCAAAGCCATCAAAGGCATCTCCAG-3'
Protein context (NP_068656.2, residues 322-342): GDDPSDKFFT[Ser332Cys]HNGMQFSTWD